The following is an entry in ClinVar:

ClinVar aggregate classification (germline): Pathogenic. Review status: criteria provided, multiple submitters, no conflicts (2 of 4 stars). 4 submissions from 4 submitters: Pathogenic (4). Last evaluated 2025-07-21.

Conditions:
Hereditary nonpolyposis colorectal neoplasms. Identifiers: MedGen C0009405, MeSH D003123.
Hereditary cancer-predisposing syndrome. Also called: Hereditary Cancer Syndrome; Hereditary neoplastic syndrome; Neoplastic Syndromes, Hereditary; Tumor predisposition. Identifiers: Orphanet 140162, MedGen C0027672, MeSH D009386, MONDO:0015356.
Lynch syndrome 4 (LYNCH4). Also called: Colorectal cancer, hereditary nonpolyposis, type 4; Hereditary non-polyposis colorectal cancer, type 4. Identifiers: Orphanet 144, MedGen C1838333, MONDO:0013699, OMIM 614337. Disease mechanism: loss of function.

Submissions (4):

Labcorp Genetics (formerly Invitae), Labcorp
Classification: Pathogenic for Hereditary nonpolyposis colorectal neoplasms. Last evaluated: 2025-07-21. Review status: criteria provided, single submitter. Criteria: Invitae Variant Classification Sherloc (09022015). Collection method: clinical testing. Allele origin: germline.
Comment: This sequence change creates a premature translational stop signal (p.Val75*) in the PMS2 gene. It is expected to result in an absent or disrupted protein product. Loss-of-function variants in PMS2 are known to be pathogenic (PMID: 21376568, 24362816). This variant is not present in population databases (gnomAD no frequency). This variant has not been reported in the literature in individuals affected with PMS2-related conditions. ClinVar contains an entry for this variant (Variation ID: 455694). For these reasons, this variant has been classified as Pathogenic.

Myriad Genetics, Inc.
Classification: Pathogenic for Lynch syndrome 4. Last evaluated: 2023-09-18. Review status: criteria provided, single submitter. Criteria: Myriad Autosomal Dominant, Autosomal Recessive and X-Linked Classification Criteria (2023). Collection method: clinical testing. Allele origin: unknown.
Comment: This variant is considered pathogenic. This variant creates a termination codon and is predicted to result in premature protein truncation.

Color Diagnostics, LLC DBA Color Health
Classification: Pathogenic for Hereditary cancer-predisposing syndrome. Last evaluated: 2020-01-15. Review status: criteria provided, single submitter. Criteria: ACMG Guidelines, 2015. Collection method: clinical testing. Allele origin: germline.
Comment: This variant deletes 1 nucleotide in exon 3 of the PMS2 gene, creating a frameshift and premature translation stop signal. This variant is expected to result in an absent or non-functional protein product. This variant has not been identified in the general population by the Genome Aggregation Database (gnomAD). Loss of PMS2 function is a known mechanism of disease. Based on the available evidence, this variant is classified as Pathogenic.

Ambry Genetics
Classification: Pathogenic for Hereditary cancer-predisposing syndrome. Last evaluated: 2018-10-01. Review status: criteria provided, single submitter. Criteria: Ambry Variant Classification Scheme 2023. Collection method: clinical testing. Allele origin: germline.
Comment: The c.223delG pathogenic mutation, located in coding exon 3 of the PMS2 gene, results from a deletion of one nucleotide at nucleotide position 223, causing a translational frameshift with a predicted alternate stop codon (p.V75*). This alteration is expected to result in loss of function by premature protein truncation or nonsense-mediated mRNA decay. As such, this alteration is interpreted as a disease-causing mutation.

Literature cited by the submitters: PubMed 21376568 (cited by Labcorp Genetics (formerly Invitae), Labcorp); PubMed 24362816 (cited by Labcorp Genetics (formerly Invitae), Labcorp).

NM_000535.7(PMS2):c.223del (p.Gly74_Val75insTer)

Gene: PMS2 (PMS1 homolog 2, mismatch repair system component; minus strand). Cytogenetic location: 7p22.1.
Variant type: Deletion.
Coding change: c.223del on transcript NM_000535.7 (MANE Select); coding-DNA position 223, one base deleted (G; older notation c.223delG).
Protein change: p.Gly74_Val75insTer.
Molecular consequence: nonsense. On other transcripts: 5 prime UTR variant (9), frameshift variant (2), non-coding transcript variant (1).
Genome position (GRCh38, 1-based): chr7:6,003,999, C deleted on the plus strand (G on the coding strand, the reverse complement: PMS2 is on the minus strand); the first of 4 consecutive C bases (chr7:6,003,999-6,004,002); deleting any one gives the same sequence. VCF-style (leftmost placement, unchanged base first): chr7-6003998-AC-A. GRCh37 (hg19) VCF-style: chr7-6043629-AC-A.
Other names: c.223del (NM_000535.6); c.-183del (NM_001322003.2, NM_001322004.2, NM_001322005.2 and 3 more transcripts); c.223del, p.Gly74_Val75insTer (NM_001322006.2, NM_001322014.2); c.8del, p.Gly3fs (NM_001322007.2, NM_001322008.2); c.-662del (NM_001322011.2, NM_001322012.2); c.-262del (NM_001322015.2); short protein forms G3fs.
Identifiers: ClinVar variation 455694 (VCV000455694.16), dbSNP rs1554304974, ClinGen allele CA658657657.
Genomic context (GRCh38, chr7:6,003,998, plus strand): 5'-TATTTTATAATAGGATTAGAAAAAGTCAACTTACTTAAGCCTTCGAAGTTTTCTTCTTCT[AC>A]CCCACATCCATTGTCTGAAACTTCAATAAGATCCACTCCATAGTCCTTAAGCTTTAGATC-3'